The following is an entry in ClinVar:

ClinVar aggregate classification (germline): Likely benign (1 of 4 stars; one submission).

Submission:

GeneDx
Classification: Likely benign. Last evaluated: 2020-09-01. Review status: criteria provided, single submitter. Criteria: GeneDx Variant Classification Process June 2021. Collection method: clinical testing. Allele origin: germline. Affected: yes.
Comment: See Variant Classification Assertion Criteria.

NM_001080477.4(TENM3):c.1112-42dup

Gene: TENM3 (teneurin transmembrane protein 3; plus strand). Cytogenetic location: 4q35.1.
Variant type: Duplication.
Coding change: c.1112-42dup on transcript NM_001080477.4 (MANE Select); 42 bases into the intron before coding-DNA position 1112, one base duplicated (T; older notation c.1112-42dupT).
Molecular consequence: intron variant.
Genome position (GRCh38, 1-based): chr4:182,672,963, T duplicated; the last of 7 consecutive T bases (chr4:182,672,957-182,672,963); duplicating any one gives the same sequence. VCF-style (leftmost placement, unchanged base first): chr4-182672956-G-GT. GRCh37 (hg19) VCF-style: chr4-183594109-G-GT.
Identifiers: ClinVar variation 1706918 (VCV001706918.2), dbSNP rs200135918, ClinGen allele CA3147593.